The following is an entry in ClinVar:

ClinVar aggregate classification (germline): Uncertain significance (1 of 4 stars; one submission).

Conditions:
Developmental and epileptic encephalopathy. Identifiers: MedGen C5779964, MONDO:0100620.

Allele frequency attached by ClinVar (database versions not stated): gnomAD 0.00001 and 0.00003; TOPMed 0.00002; gnomAD exomes 0.00003 and 0.00004; ExAC 0.00005.
gnomAD v4.1: 47 of 1,613,888 alleles (0.0029%); highest among the groups gnomAD compares: East Asian, 0.022%; no homozygotes.

Submission:

Labcorp Genetics (formerly Invitae), Labcorp
Classification: Uncertain significance for Early-infantile DEE. Last evaluated: 2023-12-11. Review status: criteria provided, single submitter. Criteria: Invitae Variant Classification Sherloc (09022015). Collection method: clinical testing. Allele origin: germline.
Comment: This sequence change replaces glycine, which is neutral and non-polar, with serine, which is neutral and polar, at codon 865 of the CACNA2D2 protein (p.Gly865Ser). This variant is present in population databases (rs771425016, gnomAD 0.02%). This variant has not been reported in the literature in individuals affected with CACNA2D2-related conditions. ClinVar contains an entry for this variant (Variation ID: 582737). An algorithm developed to predict the effect of missense changes on protein structure and function (PolyPhen-2) suggests that this variant¬†is likely to be tolerated. In summary, the available evidence is currently insufficient to determine the role of this variant in disease. Therefore, it has been classified as a Variant of Uncertain Significance.

NM_006030.4(CACNA2D2):c.2593G>A (p.Gly865Ser)

Genes: CACNA2D2 (calcium voltage-gated channel auxiliary subunit alpha2delta 2; minus strand), LOC127898564 (CYB561D2-LOC101928965; plus strand), LOC101928965 (uncharacterized LOC101928965; plus strand). Cytogenetic location: 3p21.31.
Variant type: single nucleotide variant.
Coding change: c.2593G>A on transcript NM_006030.4 (MANE Select); coding-DNA position 2593, G replaced by A.
Protein change: p.Gly865Ser; replaces glycine 865 with serine.
Molecular consequence: missense variant.
Genome position (GRCh38, 1-based): chr3:50,366,622, C>T on the plus strand (G>A on the coding strand, the complement: CACNA2D2 is on the minus strand). VCF-style: chr3-50366622-C-T. GRCh37 (hg19) VCF-style: chr3-50404053-C-T.
Other names: c.2593G>A, p.Gly865Ser (NM_001005505.3); c.2614G>A, p.Gly872Ser (NM_001174051.3); c.2386G>A, p.Gly796Ser (NM_001291101.1); short protein forms G872S, G865S, G796S.
Identifiers: ClinVar variation 582737 (VCV000582737.8), dbSNP rs771425016, ClinGen allele CA2418430.